The following is an entry in ClinVar:

NM_001374736.1(DST):c.3907A>C (p.Thr1303Pro)

Gene: DST (dystonin; minus strand). Cytogenetic location: 6p12.1.
Variant type: single nucleotide variant.
Coding change: c.3907A>C on transcript NM_001374736.1 (MANE Select); coding-DNA position 3907, A replaced by C.
Protein change: p.Thr1303Pro; replaces threonine 1303 with proline.
Molecular consequence: missense variant.
Genome position (GRCh38, 1-based): chr6:56,631,939, T>G on the plus strand (A>C on the coding strand, the complement: DST is on the minus strand). VCF-style: chr6-56631939-T-G. GRCh37 (hg19) VCF-style: chr6-56496737-T-G.
Other names: c.3808A>C, p.Thr1270Pro (NM_001144769.5); c.3394A>C, p.Thr1132Pro (NM_001144770.2); c.3907A>C, p.Thr1303Pro (NM_001374722.1); c.3274A>C, p.Thr1092Pro (NM_001374729.1, NM_001374730.1, NM_001386100.1 and 1 more transcripts); c.3934A>C, p.Thr1312Pro (NM_001374734.1); c.2296A>C, p.Thr766Pro (NM_001723.7, NM_015548.5); short protein forms T1132P, T1312P, T1270P, T1303P, T766P, T1092P.
Identifiers: ClinVar variation 1431111 (VCV001431111.8), dbSNP rs2152760635, ClinGen allele CA364574866.

ClinVar aggregate classification (germline): Uncertain significance (1 of 4 stars; one submission).

Conditions:
Hereditary sensory and autonomic neuropathy type 6. Also called: HSAN VI; Neuropathy, hereditary sensory and autonomic, type VI. Identifiers: Orphanet 314381, MedGen C3539003, MONDO:0013839, OMIM 614653.
Epidermolysis bullosa simplex 3, localized or generalized intermediate, with BP230 deficiency (EBS3). Also called: Epidermolysis bullosa simplex, autosomal recessive 2; Epidermolysis bullosa simplex due to BP230 deficiency. Identifiers: Orphanet 412181, MedGen C3809470, MONDO:0014180, OMIM 615425.

Submission:

Labcorp Genetics (formerly Invitae), Labcorp
Classification: Uncertain significance for Epidermolysis bullosa simplex 3, localized or generalized intermediate, with BP230 deficiency; Hereditary sensory and autonomic neuropathy type 6. Last evaluated: 2021-06-01. Review status: criteria provided, single submitter. Criteria: Invitae Variant Classification Sherloc (09022015). Collection method: clinical testing. Allele origin: germline.
Comment: Algorithms developed to predict the effect of missense changes on protein structure and function (SIFT, PolyPhen-2, Align-GVGD) all suggest that this variant is likely to be disruptive, but these predictions have not been confirmed by published functional studies and their clinical significance is uncertain. This sequence change replaces threonine with proline at codon 766 of the DST protein (p.Thr766Pro). The threonine residue is highly conserved and there is a small physicochemical difference between threonine and proline. This variant is not present in population databases (ExAC no frequency). This variant has not been reported in the literature in individuals with DST-related conditions. In summary, the available evidence is currently insufficient to determine the role of this variant in disease. Therefore, it has been classified as a Variant of Uncertain Significance.